The following is an entry in ClinVar:

NM_032776.3(JMJD1C):c.6307C>T (p.Arg2103Trp)

Gene: JMJD1C (jumonji domain containing 1C; minus strand). Cytogenetic location: 10q21.3.
Variant type: single nucleotide variant.
Coding change: c.6307C>T on transcript NM_032776.3 (MANE Select); coding-DNA position 6307, C replaced by T.
Protein change: p.Arg2103Trp; replaces arginine 2103 with tryptophan.
Molecular consequence: missense variant. On other transcripts: non-coding transcript variant (1).
Genome position (GRCh38, 1-based): chr10:63,189,431, G>A on the plus strand (C>T on the coding strand, the complement: JMJD1C is on the minus strand). VCF-style: chr10-63189431-G-A. GRCh37 (hg19) VCF-style: chr10-64949191-G-A.
Other names: c.5761C>T, p.Arg1921Trp (NM_001282948.2, NM_001318154.2); c.5443C>T, p.Arg1815Trp (NM_001318153.2); c.6193C>T, p.Arg2065Trp (NM_001322252.2); c.5650C>T, p.Arg1884Trp (NM_001322254.2, NM_001322258.2); short protein forms R1884W, R2065W, R1815W, R1921W, R2103W.
Identifiers: ClinVar variation 1919928 (VCV001919928.5), dbSNP rs1366396136, ClinGen allele CA377024294.
Genomic context (GRCh38, chr10:63,189,431, plus strand): 5'-GTGGAATTTTGTTTTCAACAACTGAAGCAATTATGTCATCAAGAATGTTAGGCATAGTCC[G>A]TCCACTTTTGCTACTCTATTAAGGAAAAAACAAAACAAAAAAAACCTGTTTTTGAGAGAA-3'
Protein context (NP_116165.1, residues 2093-2113): SMGAPSSKSG[Arg2103Trp]TMPNILDDII

ClinVar aggregate classification (germline): Uncertain significance (1 of 4 stars; one submission).

Conditions:
Early Myoclonic Encephalopathy. Identifiers: MedGen C0270855.

Allele frequency attached by ClinVar (database versions not stated): gnomAD exomes below 0.00001.
gnomAD v4.1: 3 of 1,610,874 alleles (0.00019%); highest among the groups gnomAD compares: Non-Finnish European, 0.00017%; no homozygotes.

Submission:

Labcorp Genetics (formerly Invitae), Labcorp
Classification: Uncertain significance for Early Myoclonic Encephalopathy. Last evaluated: 2024-02-05. Review status: criteria provided, single submitter. Criteria: Invitae Variant Classification Sherloc (09022015). Collection method: clinical testing. Allele origin: germline.
Comment: This sequence change replaces arginine, which is basic and polar, with tryptophan, which is neutral and slightly polar, at codon 2103 of the JMJD1C protein (p.Arg2103Trp). This variant is present in population databases (no rsID available, gnomAD 0.03%). This variant has not been reported in the literature in individuals affected with JMJD1C-related conditions. ClinVar contains an entry for this variant (Variation ID: 1919928). Advanced modeling of protein sequence and biophysical properties (such as structural, functional, and spatial information, amino acid conservation, physicochemical variation, residue mobility, and thermodynamic stability) performed at Invitae indicates that this missense variant is expected to disrupt JMJD1C protein function with a positive predictive value of 80%. In summary, the available evidence is currently insufficient to determine the role of this variant in disease. Therefore, it has been classified as a Variant of Uncertain Significance.